The following is an entry in ClinVar:

NM_016938.5(EFEMP2):c.580C>A (p.Leu194Met)

Gene: EFEMP2 (EGF containing fibulin extracellular matrix protein 2; minus strand). Cytogenetic location: 11q13.1.
Variant type: single nucleotide variant.
Coding change: c.580C>A on transcript NM_016938.5 (MANE Select); coding-DNA position 580, C replaced by A.
Protein change: p.Leu194Met; replaces leucine 194 with methionine.
Molecular consequence: missense variant. On other transcripts: non-coding transcript variant (1).
Genome position (GRCh38, 1-based): chr11:65,870,148, G>T on the plus strand (C>A on the coding strand, the complement: EFEMP2 is on the minus strand). VCF-style: chr11-65870148-G-T. GRCh37 (hg19) VCF-style: chr11-65637619-G-T.
Other names: short protein forms L194M.
Identifiers: ClinVar variation 3226935 (VCV003226935.1), dbSNP rs2495577787, ClinGen allele CA381360432.

ClinVar aggregate classification (germline): Uncertain significance (1 of 4 stars; one submission).

Conditions:
Cardiovascular phenotype. Identifiers: MedGen CN230736.

Submission:

Ambry Genetics
Classification: Uncertain significance for Cardiovascular phenotype. Last evaluated: 2023-11-08. Review status: criteria provided, single submitter. Criteria: Ambry Variant Classification Scheme 2023. Collection method: clinical testing. Allele origin: germline.
Comment: The p.L194M variant (also known as c.580C>A), located in coding exon 5 of the EFEMP2 gene, results from a C to A substitution at nucleotide position 580. The leucine at codon 194 is replaced by methionine, an amino acid with highly similar properties. This amino acid position is conserved. In addition, this alteration is predicted to be deleterious by in silico analysis. Since supporting evidence is limited at this time, the clinical significance of this alteration remains unclear.